The following is an entry in ClinVar:

ClinVar aggregate classification (germline): Uncertain significance. Review status: criteria provided, multiple submitters, no conflicts (2 of 4 stars). 3 submissions from 3 submitters: Uncertain significance (3). Last evaluated 2023-12-28.

Allele frequency attached by ClinVar (database versions not stated): gnomAD 0.00006; TOPMed 0.00006; ESP Exome Variant Server 0.00008; gnomAD exomes 0.00011 and 0.00017; ExAC 0.00014.
gnomAD v4.1: 249 of 1,613,262 alleles (0.015%); highest among the groups gnomAD compares: Non-Finnish European, 0.02%; no homozygotes.

Submissions (3):

GeneDx
Classification: Uncertain significance. Last evaluated: 2023-12-28. Review status: criteria provided, single submitter. Criteria: GeneDx Variant Classification Process June 2021. Collection method: clinical testing. Allele origin: germline. Affected: yes.
Comment: In silico analysis supports that this missense variant has a deleterious effect on protein structure/function; Has not been previously published as pathogenic or benign to our knowledge

Genetic Services Laboratory, University of Chicago
Classification: Uncertain significance. Last evaluated: 2017-05-01. Review status: criteria provided, single submitter. Criteria: ACMG Guidelines, 2015. Collection method: clinical testing. Allele origin: germline. Affected: no.

Breakthrough Genomics
Classification: Uncertain significance. Review status: criteria provided, single submitter. Criteria: ACMG Guidelines, 2015. Collection method: not provided. Allele origin: germline. Inheritance: Autosomal recessive inheritance. Affected: yes.

NM_012414.4(RAB3GAP2):c.1657G>A (p.Asp553Asn)

Gene: RAB3GAP2 (RAB3 GTPase activating non-catalytic protein subunit 2; minus strand). Cytogenetic location: 1q41.
Variant type: single nucleotide variant.
Coding change: c.1657G>A on transcript NM_012414.4 (MANE Select); coding-DNA position 1657, G replaced by A.
Protein change: p.Asp553Asn; replaces aspartic acid 553 with asparagine.
Molecular consequence: missense variant.
Genome position (GRCh38, 1-based): chr1:220,190,121, C>T on the plus strand (G>A on the coding strand, the complement: RAB3GAP2 is on the minus strand). VCF-style: chr1-220190121-C-T. GRCh37 (hg19) VCF-style: chr1-220363463-C-T.
Other names: short protein forms D553N.
Identifiers: ClinVar variation 436476 (VCV000436476.8), dbSNP rs199952665, ClinGen allele CA1402638.